The following is an entry in ClinVar:

NM_001013838.3(CARMIL2):c.122A>G (p.Asn41Ser)

Gene: CARMIL2 (capping protein regulator and myosin 1 linker 2; plus strand). Cytogenetic location: 16q22.1.
Variant type: single nucleotide variant.
Coding change: c.122A>G on transcript NM_001013838.3 (MANE Select); coding-DNA position 122, A replaced by G.
Protein change: p.Asn41Ser; replaces asparagine 41 with serine.
Molecular consequence: missense variant.
Genome position (GRCh38, 1-based): chr16:67,645,621, A>G. VCF-style: chr16-67645621-A-G. GRCh37 (hg19) VCF-style: chr16-67679524-A-G.
Other names: c.122A>G, p.Asn41Ser (NM_001317026.3); short protein forms N41S.
Identifiers: ClinVar variation 2185220 (VCV002185220.2), dbSNP rs757088885, ClinGen allele CA8112926.
Genomic context (GRCh38, chr16:67,645,621, plus strand): 5'-GGCCCAAAGAGGTGGAGCTGCTGCTGAAAACCTGGCTACCCGGGGAGGGTGCTGTGCAAA[A>G]CCATGTCCTGGTATGGGGCAGGGGACAGAGCCGGGGAGGCGGCTGTGGCCCCACAGAAAG-3'
Protein context (NP_001013860.1, residues 31-51): TWLPGEGAVQ[Asn41Ser]HVLALLRWRA

ClinVar aggregate classification (germline): Uncertain significance (1 of 4 stars; one submission).

Allele frequency attached by ClinVar (database versions not stated): ExAC 0.00002; gnomAD exomes 0.00002; TOPMed 0.00002; gnomAD 0.00003.
gnomAD v4.1: 32 of 1,613,416 alleles (0.002%); highest among the groups gnomAD compares: Non-Finnish European, 0.0025%; no homozygotes.

Submission:

Labcorp Genetics (formerly Invitae), Labcorp
Classification: Uncertain significance. Last evaluated: 2023-02-21. Review status: criteria provided, single submitter. Criteria: Invitae Variant Classification Sherloc (09022015). Collection method: clinical testing. Allele origin: germline.
Comment: This sequence change replaces asparagine, which is neutral and polar, with serine, which is neutral and polar, at codon 41 of the CARMIL2 protein (p.Asn41Ser). This variant is present in population databases (rs757088885, gnomAD 0.006%). This variant has not been reported in the literature in individuals affected with CARMIL2-related conditions. Advanced modeling of protein sequence and biophysical properties (such as structural, functional, and spatial information, amino acid conservation, physicochemical variation, residue mobility, and thermodynamic stability) performed at Invitae indicates that this missense variant is not expected to disrupt CARMIL2 protein function. In summary, the available evidence is currently insufficient to determine the role of this variant in disease. Therefore, it has been classified as a Variant of Uncertain Significance.